The following is an entry in ClinVar:

ClinVar aggregate classification (germline): Uncertain significance. Review status: criteria provided, multiple submitters, no conflicts (2 of 4 stars). 3 submissions from 3 submitters: Uncertain significance (3). Last evaluated 2026-03-12.

Conditions:
Epidermolysis bullosa simplex, Ogna type (EBS5A). Also called: Pidermolysis bullosa simplex 5A, Ogna type; EPIDERMOLYSIS BULLOSA SIMPLEX 5A, OGNA TYPE. Identifiers: Orphanet 79401, MedGen C0432317, MONDO:0007555, OMIM 131950.
Epidermolysis bullosa simplex 5C, with pyloric atresia (EBS5C). Also called: PLEC-Related Epidermolysis Bullosa with Pyloric Atresia; Epidermolysis bullosa simplex with pyloric atresia; PLEC1-Related Epidermolysis Bullosa with Pyloric Atresia. Identifiers: Orphanet 158684, MedGen C2677349, MONDO:0012807, OMIM 612138.
Epidermolysis bullosa simplex with nail dystrophy (EBS5D). Identifiers: MedGen C4225309, MONDO:0014661, OMIM 616487.
Autosomal recessive limb-girdle muscular dystrophy type 2Q (LGMDR17). Also called: MUSCULAR DYSTROPHY, LIMB-GIRDLE, AUTOSOMAL RECESSIVE 17. Identifiers: Orphanet 254361, MedGen C3150989, MONDO:0013390, OMIM 613723.
Epidermolysis bullosa simplex 5B, with muscular dystrophy (EBS5B). Also called: Epidermolysis bullosa simplex with muscular dystrophy; EPIDERMOLYSIS BULLOSA SIMPLEX AND LIMB-GIRDLE MUSCULAR DYSTROPHY. Identifiers: Orphanet 257, MedGen C2931072, MONDO:0009181, OMIM 226670.
Inborn genetic diseases. Identifiers: MedGen C0950123, MeSH D030342.

Allele frequency attached by ClinVar (database versions not stated): gnomAD 0.00001; gnomAD exomes 0.00002; TOPMed 0.00002; ExAC 0.00003.
gnomAD v4.1: 28 of 1,612,744 alleles (0.0017%); highest among the groups gnomAD compares: Admixed American, 0.005%; no homozygotes.

Submissions (3):

Ambry Genetics
Classification: Uncertain significance for Inborn genetic diseases. Last evaluated: 2026-03-12. Review status: criteria provided, single submitter. Criteria: Ambry Variant Classification Scheme 2023. Collection method: clinical testing. Allele origin: germline.

Athena Diagnostics
Classification: Uncertain significance. Last evaluated: 2025-05-29. Review status: criteria provided, single submitter. Criteria: Athena Diagnostics Criteria. Collection method: clinical testing. Allele origin: unknown.
Comment: Available data are insufficient to determine the clinical significance of the variant at this time. The frequency of this variant in the general population is uninformative in assessment of its pathogenicity. Polyphen and MutationTaster yielded discordant predictions regarding whether this amino acid change is damaging to the protein.

Labcorp Genetics (formerly Invitae), Labcorp
Classification: Uncertain significance for Autosomal recessive limb-girdle muscular dystrophy type 2Q; Epidermolysis bullosa simplex, Ogna type; Epidermolysis bullosa simplex with nail dystrophy; Epidermolysis bullosa simplex 5C, with pyloric atresia; Epidermolysis bullosa simplex 5B, with muscular dystrophy. Last evaluated: 2022-04-15. Review status: criteria provided, single submitter. Criteria: Invitae Variant Classification Sherloc (09022015). Collection method: clinical testing. Allele origin: germline.
Comment: This sequence change replaces arginine, which is basic and polar, with cysteine, which is neutral and slightly polar, at codon 4225 of the PLEC protein (p.Arg4225Cys). This variant is present in population databases (rs199747509, gnomAD 0.006%). This variant has not been reported in the literature in individuals affected with PLEC-related conditions. Algorithms developed to predict the effect of missense changes on protein structure and function (SIFT, PolyPhen-2, Align-GVGD) all suggest that this variant is likely to be disruptive. In summary, the available evidence is currently insufficient to determine the role of this variant in disease. Therefore, it has been classified as a Variant of Uncertain Significance.

NM_201384.3(PLEC):c.12592C>T (p.Arg4198Cys)

Gene: PLEC (plectin; minus strand). Cytogenetic location: 8q24.3.
Variant type: single nucleotide variant.
Coding change: c.12592C>T on transcript NM_201384.3 (MANE Select); coding-DNA position 12592, C replaced by T.
Protein change: p.Arg4198Cys; replaces arginine 4198 with cysteine.
Molecular consequence: missense variant.
Genome position (GRCh38, 1-based): chr8:143,917,229, G>A on the plus strand (C>T on the coding strand, the complement: PLEC is on the minus strand). VCF-style: chr8-143917229-G-A. GRCh37 (hg19) VCF-style: chr8-144991397-G-A.
Other names: c.12673C>T, p.Arg4225Cys (NM_000445.5); c.9292C>T, p.Arg3098Cys (NM_001410941.1); c.12550C>T, p.Arg4184Cys (NM_201378.4); c.12526C>T, p.Arg4176Cys (NM_201379.3); c.13003C>T, p.Arg4335Cys (NM_201380.4); c.12496C>T, p.Arg4166Cys (NM_201381.3); c.12592C>T, p.Arg4198Cys (NM_201382.4); c.12604C>T, p.Arg4202Cys (NM_201383.3); and 1 more; short protein forms R4184C, R4198C, R4335C, R4202C, R4225C, R4176C, R3098C, R4166C.
Identifiers: ClinVar variation 2196038 (VCV002196038.3), dbSNP rs199747509, ClinGen allele CA4924044.